The following is an entry in ClinVar:

NM_018127.7(ELAC2):c.1659+3G>A

Gene: ELAC2 (elaC ribonuclease Z 2; minus strand). Cytogenetic location: 17p12.
Variant type: single nucleotide variant.
Coding change: c.1659+3G>A on transcript NM_018127.7 (MANE Select); 3 bases into the intron after coding-DNA position 1659, G replaced by A.
Molecular consequence: intron variant.
Genome position (GRCh38, 1-based): chr17:12,996,544, C>T on the plus strand (G>A on the coding strand, the complement: ELAC2 is on the minus strand). VCF-style: chr17-12996544-C-T. GRCh37 (hg19) VCF-style: chr17-12899861-C-T.
Other names: c.1539+3G>A (NM_001165962.2); c.1656+3G>A (NM_173717.2).
Identifiers: ClinVar variation 1380067 (VCV001380067.6), dbSNP rs374767852, ClinGen allele CA8401129.

ClinVar aggregate classification (germline): Uncertain significance (1 of 4 stars; one submission).

Conditions:
Combined oxidative phosphorylation defect type 17. Also called: Combined oxidative phosphorylation deficiency 17. Identifiers: Orphanet 369913, MedGen C3809526, MONDO:0014190, OMIM 615440.

Allele frequency attached by ClinVar (database versions not stated): gnomAD exomes below 0.00001; ExAC 0.00001; ESP Exome Variant Server 0.00008.

Submission:

Labcorp Genetics (formerly Invitae), Labcorp
Classification: Uncertain significance for Combined oxidative phosphorylation defect type 17. Last evaluated: 2024-10-14. Review status: criteria provided, single submitter. Criteria: Invitae Variant Classification Sherloc (09022015). Collection method: clinical testing. Allele origin: germline.
Comment: This sequence change falls in intron 17 of the ELAC2 gene. It does not directly change the encoded amino acid sequence of the ELAC2 protein. It affects a nucleotide within the consensus splice site. This variant is present in population databases (rs374767852, gnomAD 0.007%). This variant has not been reported in the literature in individuals affected with ELAC2-related conditions. ClinVar contains an entry for this variant (Variation ID: 1380067). Variants that disrupt the consensus splice site are a relatively common cause of aberrant splicing (PMID: 17576681, 9536098). Algorithms developed to predict the effect of sequence changes on RNA splicing suggest that this variant is not likely to affect RNA splicing. In summary, the available evidence is currently insufficient to determine the role of this variant in disease. Therefore, it has been classified as a Variant of Uncertain Significance.

Literature cited by the submitters: PubMed 17576681; PubMed 9536098.